The following is an entry in ClinVar:

NM_173660.5(DOK7):c.773-1G>C

Gene: DOK7 (docking protein 7; plus strand). Cytogenetic location: 4p16.3.
Variant type: single nucleotide variant.
Coding change: c.773-1G>C on transcript NM_173660.5 (MANE Select); the canonical splice acceptor site of the intron before coding-DNA position 773, G replaced by C.
Molecular consequence: splice acceptor variant.
Genome position (GRCh38, 1-based): chr4:3,492,758, G>C. VCF-style: chr4-3492758-G-C. GRCh37 (hg19) VCF-style: chr4-3494485-G-C.
Other names: c.773-1G>C (NM_001301071.2); c.341-1G>C (NM_001363811.2); c.762-1G>C (NM_001164673.2); c.-158-1G>C (NM_001256896.2).
Identifiers: ClinVar variation 2929294 (VCV002929294.3), dbSNP rs1268475752, ClinGen allele CA356115885.

ClinVar aggregate classification (germline): Likely pathogenic (1 of 4 stars; one submission).

Conditions:
Congenital myasthenic syndrome 10. Also called: Myasthenia, limb-girdle, familial. Identifiers: Orphanet 590, MedGen C1850792, MONDO:0009690, OMIM 254300.
Fetal akinesia deformation sequence 1 (FADS1). Also called: Fetal akinesia sequence; Pena-Shokeir syndrome type I. Identifiers: Orphanet 994, MedGen C1276035, MONDO:0100101, OMIM 208150, HP:0001989.

gnomAD v4.1: 1 of 1,612,414 alleles (0.000062%); highest among the groups gnomAD compares: Non-Finnish European, 0.000085%; no homozygotes.

Submission:

Labcorp Genetics (formerly Invitae), Labcorp
Classification: Likely pathogenic for Congenital myasthenic syndrome 10; Fetal akinesia deformation sequence 1. Last evaluated: 2023-09-20. Review status: criteria provided, single submitter. Criteria: Invitae Variant Classification Sherloc (09022015). Collection method: clinical testing. Allele origin: germline.
Comment: This sequence change affects an acceptor splice site in intron 6 of the DOK7 gene. While this variant is not anticipated to result in nonsense mediated decay, it likely alters RNA splicing and results in a disrupted protein product. This variant is present in population databases (no rsID available, gnomAD 0.0009%). In summary, the currently available evidence indicates that the variant is pathogenic, but additional data are needed to prove that conclusively. Therefore, this variant has been classified as Likely Pathogenic. Variants that disrupt the consensus splice site are a relatively common cause of aberrant splicing (PMID: 17576681, 9536098). Algorithms developed to predict the effect of sequence changes on RNA splicing suggest that this variant may disrupt the consensus splice site. Disruption of this splice site has been observed in individuals with congenital myasthenic syndrome (PMID: 20012313, 36099689; Invitae).

Literature cited by the submitters: PubMed 17576681; PubMed 9536098; PubMed 20012313; PubMed 36099689.